The following is an entry in ClinVar:

NM_005559.4(LAMA1):c.7601G>A (p.Arg2534Gln)

Gene: LAMA1 (laminin subunit alpha 1; minus strand). Cytogenetic location: 18p11.31.
Variant type: single nucleotide variant.
Coding change: c.7601G>A on transcript NM_005559.4 (MANE Select); coding-DNA position 7601, G replaced by A.
Protein change: p.Arg2534Gln; replaces arginine 2534 with glutamine.
Molecular consequence: missense variant.
Genome position (GRCh38, 1-based): chr18:6,961,611, C>T on the plus strand (G>A on the coding strand, the complement: LAMA1 is on the minus strand). VCF-style: chr18-6961611-C-T. GRCh37 (hg19) VCF-style: chr18-6961610-C-T.
Other names: short protein forms R2534Q.
Identifiers: ClinVar variation 1417222 (VCV001417222.8), dbSNP rs200639472, ClinGen allele CA8880850.

ClinVar aggregate classification (germline): Uncertain significance. Review status: criteria provided, multiple submitters, no conflicts (2 of 4 stars). 2 submissions from 2 submitters: Uncertain significance (2). Last evaluated 2024-12-12.

Conditions:
Ataxia - intellectual disability - oculomotor apraxia - cerebellar cysts syndrome. Also called: Poretti-Boltshauser syndrome. Identifiers: Orphanet 370022, MedGen C4014821, MONDO:0014419, OMIM 615960.

Allele frequency attached by ClinVar (database versions not stated): ExAC 0.00011; gnomAD 0.00013 and 0.00014; TOPMed 0.00021.
gnomAD v4.1: 176 of 1,613,734 alleles (0.011%); highest among the groups gnomAD compares: Admixed American, 0.03%; no homozygotes.

Submissions (2):

Labcorp Genetics (formerly Invitae), Labcorp
Classification: Uncertain significance. Last evaluated: 2024-12-12. Review status: criteria provided, single submitter. Criteria: Invitae Variant Classification Sherloc (09022015). Collection method: clinical testing. Allele origin: germline.
Comment: This sequence change replaces arginine, which is basic and polar, with glutamine, which is neutral and polar, at codon 2534 of the LAMA1 protein (p.Arg2534Gln). This variant is present in population databases (rs200639472, gnomAD 0.02%). This variant has not been reported in the literature in individuals affected with LAMA1-related conditions. ClinVar contains an entry for this variant (Variation ID: 1417222). An algorithm developed to predict the effect of missense changes on protein structure and function outputs the following: PolyPhen-2: "Benign". The glutamine amino acid residue is found in multiple mammalian species, which suggests that this missense change does not adversely affect protein function. In summary, the available evidence is currently insufficient to determine the role of this variant in disease. Therefore, it has been classified as a Variant of Uncertain Significance.

Department of Pathology and Laboratory Medicine, Sinai Health System
Classification: Uncertain significance for Ataxia - intellectual disability - oculomotor apraxia - cerebellar cysts syndrome. Last evaluated: 2021-07-30. Review status: criteria provided, single submitter. Criteria: ACMG Guidelines, 2015. Collection method: research. Allele origin: germline.